The following is an entry in ClinVar:

ClinVar aggregate classification (germline): Conflicting classifications of pathogenicity. Review status: criteria provided, conflicting classifications (1 of 4 stars). 5 submissions from 5 submitters: Uncertain significance (3); Likely benign (2). Last evaluated 2025-11-09.

Conditions:
IFIH1-related disorder. Also called: IFIH1-related condition.
Aicardi-Goutieres syndrome 7 (AGS7). Identifiers: Orphanet 51, MedGen C3888244, MONDO:0014367, OMIM 615846.
Inborn genetic diseases. Identifiers: MedGen C0950123, MeSH D030342.
Singleton-Merten syndrome 1 (SGMRT1). Also called: Widened medullary cavities of bone, aortic calcification, abnormal dentition, and muscular weakness; Syndrome of widened medullary cavities of the metacarpals and phalanges, aortic calcification and abnormal dentition. Identifiers: Orphanet 85191, MedGen C4225427, MONDO:0024535, OMIM 182250.

Allele frequency attached by ClinVar (database versions not stated): TOPMed 0.00001; gnomAD exomes 0.00003; gnomAD 0.00004 and 0.00005; ExAC 0.00005; 1000 Genomes Project 30x 0.00016; 1000 Genomes Project 0.00020.
gnomAD v4.1: 61 of 1,611,592 alleles (0.0038%); highest among the groups gnomAD compares: Middle Eastern, 0.066%; no homozygotes.

Submissions (5):

Labcorp Genetics (formerly Invitae), Labcorp
Classification: Likely benign for Aicardi-Goutieres syndrome 7; Singleton-Merten syndrome 1. Last evaluated: 2025-11-09. Review status: criteria provided, single submitter. Criteria: Invitae Variant Classification Sherloc (09022015). Collection method: clinical testing. Allele origin: germline.

PreventionGenetics, part of Exact Sciences
Classification: Uncertain significance for IFIH1-related condition. Last evaluated: 2025-04-11. Review status: criteria provided, single submitter. Criteria: ACMG Guidelines, 2015. Collection method: clinical testing. Allele origin: germline.
Comment: The IFIH1 c.1157G>A variant is predicted to result in the amino acid substitution p.Arg386His. To our knowledge, this variant has not been reported in the literature. This variant is reported in 0.016% of alleles in individuals of African descent in gnomAD. At this time, the clinical significance of this variant is uncertain due to the absence of conclusive functional and genetic evidence.

Blueprint Genetics
Classification: Likely benign. Last evaluated: 2024-11-11. Review status: criteria provided, single submitter. Criteria: ACMG Guidelines, 2015. Collection method: clinical testing. Allele origin: germline.

Ambry Genetics
Classification: Uncertain significance for Inborn genetic diseases. Last evaluated: 2022-07-29. Review status: criteria provided, single submitter. Criteria: Ambry Variant Classification Scheme 2023. Collection method: clinical testing. Allele origin: germline.

Institute of Human Genetics, University of Leipzig Medical Center
Classification: Uncertain significance for Aicardi-Goutieres syndrome 7. Last evaluated: 2017-11-02. Review status: criteria provided, single submitter. Criteria: ACMG Guidelines, 2015. Collection method: clinical testing. Allele origin: germline. Affected: yes. Observed: 1 variant allele.

NM_022168.4(IFIH1):c.1157G>A (p.Arg386His)

Gene: IFIH1 (interferon induced with helicase C domain 1; minus strand). Cytogenetic location: 2q24.2.
Variant type: single nucleotide variant.
Coding change: c.1157G>A on transcript NM_022168.4 (MANE Select); coding-DNA position 1157, G replaced by A.
Protein change: p.Arg386His; replaces arginine 386 with histidine.
Molecular consequence: missense variant.
Genome position (GRCh38, 1-based): chr2:162,282,515, C>T on the plus strand (G>A on the coding strand, the complement: IFIH1 is on the minus strand). VCF-style: chr2-162282515-C-T. GRCh37 (hg19) VCF-style: chr2-163139025-C-T.
Other names: c.1157G>A (NM_022168.2); short protein forms R386H.
Identifiers: ClinVar variation 976413 (VCV000976413.13), dbSNP rs138611889, ClinGen allele CA1934598.
Genomic context (GRCh38, chr2:162,282,515, plus strand): 5'-GACTTGACAACTTCTGGAAATGATATTTTCAGTTGGGTATCACCACTTAATCCAATAACA[C>T]GATACCATTTCTTCAAAAATGGTTGGAACTCCTTGCGGAAGAGCTGTTCAACTAGCAGTA-3'
Protein context (NP_071451.2, residues 376-396): EFQPFLKKWY[Arg386His]VIGLSGDTQL